The following is an entry in ClinVar:

ClinVar aggregate classification (germline): Pathogenic (1 of 4 stars; one submission).

Conditions:
Exostoses, multiple, type 2 (EXT2). Also called: EXOSTOSES, MULTIPLE, TYPE II; Hereditary Multiple Osteochondromatosis, Type II. Identifiers: Orphanet 321, MedGen C1851413, MONDO:0007586, OMIM 133701.

Submission:

Labcorp Genetics (formerly Invitae), Labcorp
Classification: Pathogenic for Exostoses, multiple, type 2. Last evaluated: 2021-08-12. Review status: criteria provided, single submitter. Criteria: Invitae Variant Classification Sherloc (09022015). Collection method: clinical testing. Allele origin: germline.
Comment: This variant is a gross deletion of the genomic region encompassing exon(s) 10 of the EXT2 gene. This deletion is out-of-frame, and is expected to create a premature termination codon and result in an absent or disrupted protein product. Loss-of-function variants in EXT2 are known to be pathogenic (PMID: 10679937, 19810120). This variant has not been reported in the literature in individuals affected with EXT2-related conditions. For these reasons, this variant has been classified as Pathogenic.

Literature cited by the submitters: PubMed 10679937; PubMed 19810120.

NC_000011.10:g.(?_44206793)_(44206959_?)del

Gene: EXT2 (exostosin glycosyltransferase 2; plus strand). Cytogenetic location: 11p11.2.
Variant type: Deletion.
Identifiers: ClinVar variation 584248 (VCV000584248.7).